The following is an entry in ClinVar:

NM_000090.4(COL3A1):c.1187G>A (p.Gly396Asp)

Gene: COL3A1 (collagen type III alpha 1 chain; plus strand). Cytogenetic location: 2q32.2.
Variant type: single nucleotide variant.
Coding change: c.1187G>A on transcript NM_000090.4 (MANE Select); coding-DNA position 1187, G replaced by A.
Protein change: p.Gly396Asp; replaces glycine 396 with aspartic acid.
Molecular consequence: missense variant.
Genome position (GRCh38, 1-based): chr2:188,994,075, G>A. VCF-style: chr2-188994075-G-A. GRCh37 (hg19) VCF-style: chr2-189858801-G-A.
Other names: short protein forms G396D.
Identifiers: ClinVar variation 1990321 (VCV001990321.5), dbSNP rs2469127921, ClinGen allele CA349851254.
Genomic context (GRCh38, chr2:188,994,075, plus strand): 5'-TTATCTGTTTTTTGTATACTTAGGGCCCTCCTGGGATTAATGGTAGTCCTGGTGGTAAAG[G>A]CGAAATGGTAAGCTGTCCCCACTCCTCAGCCTTATCTCATCCACACATTACTGGCTTCTT-3'
Protein context (NP_000081.2, residues 386-406): PGINGSPGGK[Gly396Asp]EMGPAGIPGA

ClinVar aggregate classification (germline): Likely pathogenic. Review status: criteria provided, multiple submitters, no conflicts (2 of 4 stars). 2 submissions from 2 submitters: Likely pathogenic (2). Last evaluated 2023-07-19.

Conditions:
Ehlers-Danlos syndrome, type 4 (EDSVASC). Also called: Ehlers-Danlos syndrome vascular type; Ehlers Danlos syndrome, ecchymotic type; Ehlers Danlos syndrome, arterial type; Ehlers Danlos syndrome, Sack-Barabas type; Ehlers-Danlos Syndrome Type IV. Identifiers: Orphanet 286, MedGen C0268338, MONDO:0017314, OMIM 130050.

Submissions (2):

All of Us Research Program, National Institutes of Health
Classification: Likely pathogenic for Ehlers-Danlos syndrome, type 4. Last evaluated: 2023-07-19. Review status: criteria provided, single submitter. Criteria: ACMG Guidelines, 2015. Collection method: clinical testing. Allele origin: germline. Inheritance: Autosomal dominant inheritance. Observed: 1 variant allele, 1 heterozygote.
Comment: This missense variant replaces glycine with aspartic acid at codon 396 of the COL3A1 protein. This variant changes one of the conserved glycine residues within the Gly-Xaa-Yaa repeat motifs of the triple helical domain of the COL3A1 protein that are required for the structure and stability of fibrillar collagens (PMID: 7695699, 8218237, 19344236). This variant has been described in an individual(s) with clinical features of COL3A1-related conditions (ClinVar SCV003029316.1). This variant has not been identified in the general population by the Genome Aggregation Database (gnomAD). A different missense variant occurring at the same codon, p.Gly396Val, has been reported in a family affected with vascular Ehlers-Danlos syndrome (PMID: 30474650), further supporting the importance of glycine at this position for COL3A1 protein function. Based on the available evidence, this variant is classified as Likely Pathogenic.

This study involves interpretation of variants in research participants for the purpose of population health screening. Participant phenotype was not available at the time of variant classification. Additional details can be found in publication PMID: 35346344, PMCID: PMC8962531

Labcorp Genetics (formerly Invitae), Labcorp
Classification: Likely pathogenic for Ehlers-Danlos syndrome, type 4. Last evaluated: 2022-03-08. Review status: criteria provided, single submitter. Criteria: Invitae Variant Classification Sherloc (09022015). Collection method: clinical testing. Allele origin: germline.
Comment: This missense change has been observed in individual(s) with clinical features of COL3A1-related conditions (Invitae). Advanced modeling of protein sequence and biophysical properties (such as structural, functional, and spatial information, amino acid conservation, physicochemical variation, residue mobility, and thermodynamic stability) performed at Invitae indicates that this missense variant is expected to disrupt COL3A1 protein function. This sequence change replaces glycine, which is neutral and non-polar, with aspartic acid, which is acidic and polar, at codon 396 of the COL3A1 protein (p.Gly396Asp). This variant is not present in population databases (gnomAD no frequency). This variant disrupts the triple helix domain of COL3A1. Glycine residues within the Gly-Xaa-Yaa repeats of the triple helix domain are required for the structure and stability of fibrillar collagens (PMID: 7695699, 8218237, 19344236). In COL3A1, variants that affect these glycine residues are significantly enriched in individuals with disease (PMID: 24922459, 25758994) compared to the general population (ExAC). In summary, the currently available evidence indicates that the variant is pathogenic, but additional data are needed to prove that conclusively. Therefore, this variant has been classified as Likely Pathogenic.

Literature cited by the submitters: PubMed 7695699 (cited by All of Us Research Program, National Institutes of Health and Labcorp Genetics (formerly Invitae), Labcorp); PubMed 8218237 (cited by All of Us Research Program, National Institutes of Health and Labcorp Genetics (formerly Invitae), Labcorp); PubMed 19344236 (cited by All of Us Research Program, National Institutes of Health and Labcorp Genetics (formerly Invitae), Labcorp); PubMed 30474650 (cited by All of Us Research Program, National Institutes of Health); PubMed 24922459 (cited by Labcorp Genetics (formerly Invitae), Labcorp); PubMed 25758994 (cited by Labcorp Genetics (formerly Invitae), Labcorp).